The following is an entry in ClinVar:

ClinVar aggregate classification (germline): Pathogenic (1 of 4 stars; one submission).

Conditions:
Autosomal recessive osteopetrosis 1. Also called: ALBERS-SCHONBERG DISEASE, AUTOSOMAL RECESSIVE; TCIRG1-Related Autosomal Recessive Osteopetrosis; TCIRG1-Related Osteopetrosis. Identifiers: Orphanet 667, MedGen C1850127, MONDO:0009815, OMIM 259700.

Submission:

Myriad Genetics, Inc.
Classification: Pathogenic for Autosomal recessive osteopetrosis 1. Last evaluated: 2023-08-15. Review status: criteria provided, single submitter. Criteria: Myriad Autosomal Dominant, Autosomal Recessive and X-Linked Classification Criteria (2023). Collection method: clinical testing. Allele origin: unknown.
Comment: NM_006019.3(TCIRG1):c.1682delG(G561Afs*27) is expected to be pathogenic in the context of autosomal recessive osteopetrosis type 1. This variant is predicted to lead to an abnormal or absent protein product due to the creation of a premature termination codon in TCIRG1, a gene where loss-of-function variants are known to be pathogenic. Please note: this variant was assessed in the context of healthy population screening.

NM_006019.4(TCIRG1):c.1682del (p.Gly561fs)

Gene: TCIRG1 (T cell immune regulator 1, ATPase H+ transporting V0 subunit a3; plus strand). Cytogenetic location: 11q13.2.
Variant type: Deletion.
Coding change: c.1682del on transcript NM_006019.4 (MANE Select); coding-DNA position 1682, one base deleted (G; older notation c.1682delG).
Protein change: p.Gly561fs; shifts the reading frame from glycine 561.
Molecular consequence: frameshift variant.
Genome position (GRCh38, 1-based): chr11:68,049,089, G deleted; the last of 2 consecutive G bases (chr11:68,049,088-68,049,089); deleting either gives the same sequence. VCF-style (leftmost placement, unchanged base first): chr11-68049087-TG-T. GRCh37 (hg19) VCF-style: chr11-67816554-TG-T.
Other names: c.788del, p.Gly263fs (NM_001351059.2); c.1682del, p.Gly561fs (NM_001440552.1, NM_001440553.1, NM_001440554.1 and 2 more transcripts); c.1640del, p.Gly547fs (NM_001440555.1, NM_001440556.1, NM_001440563.1); c.1469del, p.Gly490fs (NM_001440559.1, NM_001440560.1, NM_001440561.1 and 2 more transcripts); c.1427del, p.Gly476fs (NM_001440564.1); c.1382del, p.Gly461fs (NM_001440565.1); c.1220del, p.Gly407fs (NM_001440567.1); c.1214del, p.Gly405fs (NM_001440568.1); and 2 more; short protein forms G241fs, G263fs, G345fs, G405fs, G407fs, G461fs, G476fs, G490fs.
Identifiers: ClinVar variation 5011352 (VCV005011352.1).